The following is an entry in ClinVar:

NM_022787.4(NMNAT1):c.245T>C (p.Val82Ala)

Gene: NMNAT1 (nicotinamide nucleotide adenylyltransferase 1; plus strand). Cytogenetic location: 1p36.22.
Variant type: single nucleotide variant.
Coding change: c.245T>C on transcript NM_022787.4 (MANE Select); coding-DNA position 245, T replaced by C.
Protein change: p.Val82Ala; replaces valine 82 with alanine.
Molecular consequence: missense variant.
Genome position (GRCh38, 1-based): chr1:9,975,721, T>C. VCF-style: chr1-9975721-T-C. GRCh37 (hg19) VCF-style: chr1-10035779-T-C.
Other names: c.245T>C, p.Val82Ala (NM_001297778.1, NM_001297779.2); short protein forms V82A.
Identifiers: ClinVar variation 1062688 (VCV001062688.3), dbSNP rs986437232, ClinGen allele CA18234679.

ClinVar aggregate classification (germline): Likely pathogenic. Review status: criteria provided, multiple submitters, no conflicts (2 of 4 stars). 3 submissions from 3 submitters: Likely pathogenic (2). 1 of the submissions does not count toward it. Last evaluated 2024-11-26.

Conditions:
Spondyloepiphyseal dysplasia, sensorineural hearing loss, impaired intellectual development, and leber congenital amaurosis. Also called: SHILCA SYNDROME. Identifiers: Orphanet 611207, MedGen C5543257, MONDO:0031007, OMIM 619260.
Leber congenital amaurosis 9 (LCA9). Also called: LCA9 Leber Congenital Amaurosis; LCA 9; Amaurosis congenita of Leber, type 9. Identifiers: Orphanet 65, MedGen C1837873, MONDO:0012056, OMIM 608553.

Allele frequency attached by ClinVar (database versions not stated): gnomAD exomes below 0.00001 and 0.00001.

Submissions (3):

3billion
Classification: Likely pathogenic for Leber congenital amaurosis 9. Last evaluated: 2024-11-26. Review status: criteria provided, single submitter. Criteria: ACMG Guidelines, 2015. Collection method: clinical testing. Allele origin: germline. Affected: yes.
Comment: The variant is observed at an extremely low frequency in the gnomAD v4.1.0 dataset (total allele frequency: <0.001%). Predicted Consequence/Location: Missense variant In silico tool predictions suggest damaging effect of the variant on gene or gene product [REVEL: 0.82 (>=0.6, sensitivity 0.68 and specificity 0.92); 3Cnet: 0.99 (>=0.6, sensitivity 0.72 and precision 0.9)]. The same nucleotide change resulting in the same amino acid change has been previously reported to be associated with NMNAT1 related disorder (ClinVar ID: VCV001062688 /PMID: 32150116). The variant has been reported to be in trans with a pathogenic variant as either compound heterozygous or homozygous in at least one similarly affected unrelated individual (PMID: 32150116). A different missense change at the same codon (p.Val82Phe) has been reported to be associated with NMNAT1 related disorder (ClinVar ID: VCV000978254). Therefore, this variant is classified as Likely pathogenic according to the recommendation of ACMG/AMP guideline.

Neuberg Centre For Genomic Medicine, NCGM
Classification: Likely pathogenic for Spondyloepiphyseal dysplasia, sensorineural hearing loss, impaired intellectual development, and leber congenital amaurosis. Review status: criteria provided, single submitter. Criteria: ACMG Guidelines, 2015. Collection method: clinical testing. Allele origin: germline. Inheritance: Autosomal recessive inheritance. Affected: yes.
Comment: The missense variant c.245T>C (p.Val82Ala) in NMNAT1 gene has been submitted to ClinVar as a Pathogenic Variant. The p.Val82Ala variant is reported with the allele frequency (0.0003%) in the gnomAD Exomes and is novel (not in any individuals) in 1000 Genomes. The amino acid Val at position 82 is changed to a Ala changing protein sequence and it might alter its composition and physico-chemical properties. The variant is predicted to be damaging by both SIFT and PolyPhen2. The residue is conserved across species. The amino acid change p.Val82Ala in NMNAT1 is predicted as conserved by GERP++ and PhyloP across 100 vertebrates. This variant has been previously reported in trans with another pathogenic variant in siblings with Leber congenital amaurosis and foveal hypoplasia (Bedoukian et al,2020). For these reasons, this variant has been classified as Likely Pathogenic.

OMIM
Classification: Pathogenic for LEBER CONGENITAL AMAUROSIS 9. Last evaluated: 2026-01-16. Review status: no assertion criteria provided. Collection method: literature only. Allele origin: germline. Not counted in ClinVar's aggregate classification.

Literature cited by the submitters: PubMed 32150116 (cited by 3billion and OMIM).